The following is an entry in ClinVar:

NM_182919.4(TICAM1):c.1078CCT[11] (p.Pro365_Pro367dup)

Gene: TICAM1 (TIR domain containing adaptor molecule 1; minus strand). Cytogenetic location: 19p13.3.
Variant type: Microsatellite.
Coding change: c.1078CCT[11] on transcript NM_182919.4 (MANE Select); 11 copies in a row of the 3-base unit CCT starting at c.1078; the reference has eight copies in a row; three copies, 9 bases duplicated.
Protein change: p.Pro365_Pro367dup.
Molecular consequence: inframe insertion.
Genome position (GRCh38, 1-based): chr19:4,817,277-4,817,285, AGGAGGAGG duplicated on the plus strand (CCTCCTCCT on the coding strand, the reverse complement: TICAM1 is on the minus strand); duplicating any 9 consecutive bases within chr19:4,817,277-4,817,300 gives the same sequence; the position shown is the placement nearest the transcript's 3' end. VCF-style (leftmost placement, unchanged base first): chr19-4817276-A-AAGGAGGAGG. GRCh37 (hg19) VCF-style: chr19-4817288-A-AAGGAGGAGG.
Other names: c.1036CCT[11], p.Pro351_Pro353dup (NM_001385678.1); c.943CCT[11], p.Pro320_Pro322dup (NM_001385679.1); c.436CCT[11], p.Pro151_Pro153dup (NM_001385680.1).
Identifiers: ClinVar variation 1449092 (VCV001449092.5), dbSNP rs11466722, ClinGen allele CA9105205.

ClinVar aggregate classification (germline): Uncertain significance (1 of 4 stars; one submission).

Conditions:
Encephalopathy, acute, infection-induced (herpes-specific), susceptibility to, 6. Also called: Herpes simplex encephalitis, susceptibility to, 4. Identifiers: Orphanet 1930, MedGen C3553869, MONDO:0013921, OMIM 614850.

Submission:

Labcorp Genetics (formerly Invitae), Labcorp
Classification: Uncertain significance for Encephalopathy, acute, infection-induced (herpes-specific), susceptibility to, 6. Last evaluated: 2022-09-01. Review status: criteria provided, single submitter. Criteria: Invitae Variant Classification Sherloc (09022015). Collection method: clinical testing. Allele origin: germline.
Comment: This variant, c.1093_1101dup, results in the insertion of 3 amino acid(s) of the TICAM1 protein (p.Pro365_Pro367dup), but otherwise preserves the integrity of the reading frame. This variant is present in population databases (rs144100421, gnomAD 0.04%). This variant has not been reported in the literature in individuals affected with TICAM1-related conditions. Experimental studies and prediction algorithms are not available or were not evaluated, and the functional significance of this variant is currently unknown. In summary, the available evidence is currently insufficient to determine the role of this variant in disease. Therefore, it has been classified as a Variant of Uncertain Significance.